The following is an entry in ClinVar:

NM_025074.7(FRAS1):c.1700_1701insGTTTC (p.Ser567fs)

Gene: FRAS1 (Fraser extracellular matrix complex subunit 1; plus strand). Cytogenetic location: 4q21.21.
Variant type: Insertion.
Coding change: c.1700_1701insGTTTC on transcript NM_025074.7 (MANE Select); coding-DNA positions 1700 to 1701, GTTTC inserted.
Protein change: p.Ser567fs; shifts the reading frame from serine 567.
Molecular consequence: frameshift variant.
Genome position: GRCh38 VCF-style: chr4-78315615-G-GGTTTC. GRCh37 (hg19) VCF-style: chr4-79236769-G-GGTTTC.
Other names: c.1700_1701insGTTTC, p.Ser567fs (NM_001166133.2); short protein forms S567fs.
Identifiers: ClinVar variation 2765141 (VCV002765141.3), dbSNP rs2476761978, ClinGen allele CA2697546755.

ClinVar aggregate classification (germline): Pathogenic (1 of 4 stars; one submission).

Submission:

Labcorp Genetics (formerly Invitae), Labcorp
Classification: Pathogenic. Last evaluated: 2023-10-04. Review status: criteria provided, single submitter. Criteria: Invitae Variant Classification Sherloc (09022015). Collection method: clinical testing. Allele origin: germline.
Comment: This sequence change creates a premature translational stop signal (p.Ser567Argfs*132) in the FRAS1 gene. It is expected to result in an absent or disrupted protein product. Loss-of-function variants in FRAS1 are known to be pathogenic (PMID: 12766769, 18671281). This variant is not present in population databases (gnomAD no frequency). This variant has not been reported in the literature in individuals affected with FRAS1-related conditions. For these reasons, this variant has been classified as Pathogenic.

Literature cited by the submitters: PubMed 12766769; PubMed 18671281.